The following is an entry in ClinVar:

ClinVar aggregate classification (germline): Uncertain significance (1 of 4 stars; one submission).

gnomAD v4.1: 1 of 1,551,688 alleles (0.000064%); highest among the groups gnomAD compares: Non-Finnish European, 0.000087%; no homozygotes.

Submission:

Labcorp Genetics (formerly Invitae), Labcorp
Classification: Uncertain significance. Last evaluated: 2022-10-14. Review status: criteria provided, single submitter. Criteria: Invitae Variant Classification Sherloc (09022015). Collection method: clinical testing. Allele origin: germline.
Comment: This sequence change replaces leucine, which is neutral and non-polar, with proline, which is neutral and non-polar, at codon 422 of the GREB1L protein (p.Leu422Pro). This variant is not present in population databases (gnomAD no frequency). This variant has not been reported in the literature in individuals affected with GREB1L-related conditions. Algorithms developed to predict the effect of missense changes on protein structure and function are either unavailable or do not agree on the potential impact of this missense change (SIFT: "Not Available"; PolyPhen-2: "Probably Damaging"; Align-GVGD: "Not Available"). In summary, the available evidence is currently insufficient to determine the role of this variant in disease. Therefore, it has been classified as a Variant of Uncertain Significance.

NM_001142966.3(GREB1L):c.1265T>C (p.Leu422Pro)

Genes: GREB1L (GREB1 like retinoic acid receptor coactivator; plus strand), GREB1L-AS1 (GREB1L antisense RNA 1; minus strand). Cytogenetic location: 18q11.1.
Variant type: single nucleotide variant.
Coding change: c.1265T>C on transcript NM_001142966.3 (MANE Select); coding-DNA position 1265, T replaced by C.
Protein change: p.Leu422Pro; replaces leucine 422 with proline.
Molecular consequence: missense variant.
Genome position (GRCh38, 1-based): chr18:21,444,281, T>C. VCF-style: chr18-21444281-T-C. GRCh37 (hg19) VCF-style: chr18-19024242-T-C.
Other names: c.1394T>C, p.Leu465Pro (NM_001410867.1); c.1265T>C, p.Leu422Pro (NM_001410868.1); short protein forms L465P, L422P.
Identifiers: ClinVar variation 1978442 (VCV001978442.4), dbSNP rs2511388966, ClinGen allele CA401800851.